The following is an entry in ClinVar:

ClinVar aggregate classification (germline): Uncertain significance (1 of 4 stars; one submission).

Allele frequency attached by ClinVar (database versions not stated): gnomAD 0.00001; gnomAD exomes 0.00001; TOPMed 0.00002.
gnomAD v4.1: 9 of 1,614,076 alleles (0.00056%); highest among the groups gnomAD compares: Admixed American, 0.013%; no homozygotes.

Submission:

GeneDx
Classification: Uncertain significance. Last evaluated: 2022-11-30. Review status: criteria provided, single submitter. Criteria: GeneDx Variant Classification Process June 2021. Collection method: clinical testing. Allele origin: germline. Affected: yes.
Comment: Has not been previously published as pathogenic or benign to our knowledge; In silico analysis supports that this missense variant does not alter protein structure/function

NM_000053.4(ATP7B):c.419C>T (p.Ala140Val)

Gene: ATP7B (ATPase copper transporting beta; minus strand). Cytogenetic location: 13q14.3.
Variant type: single nucleotide variant.
Coding change: c.419C>T on transcript NM_000053.4 (MANE Select); coding-DNA position 419, C replaced by T.
Protein change: p.Ala140Val; replaces alanine 140 with valine.
Molecular consequence: missense variant.
Genome position (GRCh38, 1-based): chr13:51,974,801, G>A on the plus strand (C>T on the coding strand, the complement: ATP7B is on the minus strand). VCF-style: chr13-51974801-G-A. GRCh37 (hg19) VCF-style: chr13-52548937-G-A.
Other names: c.419C>T, p.Ala140Val (NM_001005918.3, NM_001243182.2, NM_001330578.2 and 30 more transcripts); c.323C>T, p.Ala108Val (NM_001406517.1, NM_001406518.1, NM_001406530.1 and 4 more transcripts); short protein forms A108V, A140V.
Identifiers: ClinVar variation 1801974 (VCV001801974.1), dbSNP rs1370428330, ClinGen allele CA388044057.